The following is an entry in ClinVar:

NM_002230.4(JUP):c.311C>A (p.Thr104Asn)

Gene: JUP (junction plakoglobin; minus strand). Cytogenetic location: 17q21.2.
Variant type: single nucleotide variant.
Coding change: c.311C>A on transcript NM_002230.4 (MANE Select); coding-DNA position 311, C replaced by A.
Protein change: p.Thr104Asn; replaces threonine 104 with asparagine.
Molecular consequence: missense variant.
Genome position (GRCh38, 1-based): chr17:41,769,575, G>T on the plus strand (C>A on the coding strand, the complement: JUP is on the minus strand). VCF-style: chr17-41769575-G-T. GRCh37 (hg19) VCF-style: chr17-39925827-G-T.
Other names: c.311C>A, p.Thr104Asn (NM_001352773.2, NM_001352774.2, NM_001352775.2 and 3 more transcripts); short protein forms T104N.
Identifiers: ClinVar variation 963703 (VCV000963703.10), dbSNP rs1185864978, ClinGen allele CA399505530.

ClinVar aggregate classification (germline): Uncertain significance. Review status: criteria provided, multiple submitters, no conflicts (2 of 4 stars). 2 submissions from 2 submitters: Uncertain significance (2). Last evaluated 2025-11-07.

Conditions:
Naxos disease (NXD). Also called: CARDIOMYOPATHY, ARRHYTHMOGENIC RIGHT VENTRICULAR, WITH SKIN, HAIR, AND NAIL ABNORMALITIES; WOOLLY HAIR, PALMOPLANTAR KERATODERMA, AND CARDIAC ABNORMALITIES; KERATOSIS PALMOPLANTARIS WITH ARRHYTHMOGENIC CARDIOMYOPATHY; MAL DE NAXOS; PALMOPLANTAR KERATODERMA WITH ARRHYTHMOGENIC RIGHT VENTRICULAR CARDIOMYOPATHY AND WOOLLY HAIR. Identifiers: Orphanet 34217, MedGen C1832600, MONDO:0011017, OMIM 601214.
Arrhythmogenic right ventricular dysplasia 12. Also called: ARRHYTHMOGENIC RIGHT VENTRICULAR DYSPLASIA, FAMILIAL, 12. Identifiers: MedGen C1969081, MONDO:0012684, OMIM 611528.
Cardiovascular phenotype. Identifiers: MedGen CN230736.

Allele frequency attached by ClinVar (database versions not stated): gnomAD exomes below 0.00001; TOPMed below 0.00001; gnomAD 0.00001.
gnomAD v4.1: 8 of 1,606,976 alleles (0.0005%); highest among the groups gnomAD compares: Non-Finnish European, 0.00068%; no homozygotes.

Submissions (2):

Ambry Genetics
Classification: Uncertain significance for Cardiovascular phenotype. Last evaluated: 2025-11-07. Review status: criteria provided, single submitter. Criteria: Ambry Variant Classification Scheme 2023. Collection method: clinical testing. Allele origin: germline.
Comment: The p.T104N variant (also known as c.311C>A), located in coding exon 2 of the JUP gene, results from a C to A substitution at nucleotide position 311. The threonine at codon 104 is replaced by asparagine, an amino acid with similar properties. This amino acid position is conserved. In addition, the in silico prediction for this alteration is inconclusive. Based on the available evidence, the clinical significance of this variant remains unclear.

Labcorp Genetics (formerly Invitae), Labcorp
Classification: Uncertain significance for Arrhythmogenic right ventricular dysplasia 12; Naxos disease. Last evaluated: 2024-08-06. Review status: criteria provided, single submitter. Criteria: Invitae Variant Classification Sherloc (09022015). Collection method: clinical testing. Allele origin: germline.
Comment: This sequence change replaces threonine, which is neutral and polar, with asparagine, which is neutral and polar, at codon 104 of the JUP protein (p.Thr104Asn). This variant is present in population databases (no rsID available, gnomAD 0.002%). This variant has not been reported in the literature in individuals affected with JUP-related conditions. ClinVar contains an entry for this variant (Variation ID: 963703). An algorithm developed to predict the effect of missense changes on protein structure and function (PolyPhen-2) suggests that this variant is likely to be tolerated. In summary, the available evidence is currently insufficient to determine the role of this variant in disease. Therefore, it has been classified as a Variant of Uncertain Significance.